The following is an entry in ClinVar:

ClinVar aggregate classification (germline): Conflicting classifications of pathogenicity. Review status: criteria provided, conflicting classifications (1 of 4 stars). 5 submissions from 5 submitters: Uncertain significance (1); Benign (1); Likely benign (3). Last evaluated 2024-10-31.

Conditions:
Hereditary cancer-predisposing syndrome. Also called: Hereditary Cancer Syndrome; Hereditary neoplastic syndrome; Neoplastic Syndromes, Hereditary; Tumor predisposition. Identifiers: Orphanet 140162, MedGen C0027672, MeSH D009386, MONDO:0015356.
Oligodontia-cancer predisposition syndrome. Also called: TOOTH AGENESIS-COLORECTAL CANCER SYNDROME. Identifiers: Orphanet 300576, MedGen C1837750, MONDO:0012075, OMIM 608615. Disease mechanism: loss of function.

Allele frequency attached by ClinVar (database versions not stated): gnomAD 0.00001; gnomAD exomes 0.00001.

Submissions (5):

Labcorp Genetics (formerly Invitae), Labcorp
Classification: Likely benign for Oligodontia-cancer predisposition syndrome. Last evaluated: 2024-10-31. Review status: criteria provided, single submitter. Criteria: Invitae Variant Classification Sherloc (09022015). Collection method: clinical testing. Allele origin: germline.

Myriad Genetics, Inc.
Classification: Benign for Oligodontia-cancer predisposition syndrome. Last evaluated: 2024-07-09. Review status: criteria provided, single submitter. Criteria: Myriad Autosomal Dominant, Autosomal Recessive and X-Linked Classification Criteria (2023). Collection method: clinical testing. Allele origin: unknown.
Comment: This variant is considered benign. This variant is a silent/synonymous amino acid change and it is not expected to impact splicing.

Ambry Genetics
Classification: Likely benign for Hereditary cancer-predisposing syndrome. Last evaluated: 2021-10-01. Review status: criteria provided, single submitter. Criteria: Ambry Variant Classification Scheme 2023. Collection method: clinical testing. Allele origin: germline.

Illumina Laboratory Services, Illumina
Classification: Uncertain significance for Oligodontia-cancer predisposition syndrome. Last evaluated: 2018-01-13. Review status: criteria provided, single submitter. Criteria: ICSL Variant Classification Criteria 13 December 2019. Collection method: clinical testing. Allele origin: germline.

GeneDx
Classification: Likely benign. Last evaluated: 2016-05-24. Review status: criteria provided, single submitter. Criteria: GeneDx Variant Classification (06012015). Collection method: clinical testing. Allele origin: germline. Affected: yes.
Comment: This variant is considered likely benign or benign based on one or more of the following criteria: it is a conservative change, it occurs at a poorly conserved position in the protein, it is predicted to be benign by multiple in silico algorithms, and/or has population frequency not consistent with disease.

NM_004655.4(AXIN2):c.2100C>T (p.Ala700=)

Gene: AXIN2 (axin 2; minus strand). Cytogenetic location: 17q24.1.
Variant type: single nucleotide variant.
Coding change: c.2100C>T on transcript NM_004655.4 (MANE Select); coding-DNA position 2100, C replaced by T.
Protein change: p.Ala700=; no amino-acid change (alanine 700 retained).
Molecular consequence: synonymous variant.
Genome position (GRCh38, 1-based): chr17:65,536,361, G>A on the plus strand (C>T on the coding strand, the complement: AXIN2 is on the minus strand). VCF-style: chr17-65536361-G-A. GRCh37 (hg19) VCF-style: chr17-63532479-G-A.
Other names: c.1905C>T, p.Ala635= (NM_001363813.1); c.2100C>T (LRG_296t1).
Identifiers: ClinVar variation 386532 (VCV000386532.17), dbSNP rs1057522521, ClinGen allele CA16608605.